The following is an entry in ClinVar:

ClinVar aggregate classification (germline): Uncertain significance (1 of 4 stars; one submission).

Submission:

Labcorp Genetics (formerly Invitae), Labcorp
Classification: Uncertain significance. Last evaluated: 2022-08-20. Review status: criteria provided, single submitter. Criteria: Invitae Variant Classification Sherloc (09022015). Collection method: clinical testing. Allele origin: germline.
Comment: In summary, the available evidence is currently insufficient to determine the role of this variant in disease. Therefore, it has been classified as a Variant of Uncertain Significance. Algorithms developed to predict the effect of missense changes on protein structure and function are either unavailable or do not agree on the potential impact of this missense change (SIFT: "Deleterious"; PolyPhen-2: "Not Available"; Align-GVGD: "Class C0"). This variant has not been reported in the literature in individuals affected with PCLO-related conditions. This variant is not present in population databases (gnomAD no frequency). This sequence change replaces asparagine, which is neutral and polar, with aspartic acid, which is acidic and polar, at codon 4765 of the PCLO protein (p.Asn4765Asp).

NM_033026.6(PCLO):c.14293A>G (p.Asn4765Asp)

Gene: PCLO (piccolo presynaptic cytomatrix protein; minus strand). Cytogenetic location: 7q21.11.
Variant type: single nucleotide variant.
Coding change: c.14293A>G on transcript NM_033026.6 (MANE Select); coding-DNA position 14293, A replaced by G.
Protein change: p.Asn4765Asp; replaces asparagine 4765 with aspartic acid.
Molecular consequence: missense variant.
Genome position (GRCh38, 1-based): chr7:82,827,923, T>C on the plus strand (A>G on the coding strand, the complement: PCLO is on the minus strand). VCF-style: chr7-82827923-T-C. GRCh37 (hg19) VCF-style: chr7-82457239-T-C.
Other names: c.14293A>G, p.Asn4765Asp (NM_014510.3); short protein forms N4765D.
Identifiers: ClinVar variation 1953471 (VCV001953471.5), dbSNP rs2535275751, ClinGen allele CA368020876.